The following is an entry in ClinVar:

ClinVar aggregate classification (germline): Benign/Likely benign. Review status: criteria provided, multiple submitters, no conflicts (2 of 4 stars). 2 submissions from 2 submitters: Benign (1); Likely benign (1). Last evaluated 2019-12-31.

Conditions:
Long QT syndrome (LQTS). Identifiers: MedGen C0023976, MeSH D008133, MONDO:0002442. Disease mechanism: loss of function. Inheritance: Various modes of inheritance.

Allele frequency attached by ClinVar (database versions not stated): 1000 Genomes Project 30x 0.00422; TOPMed 0.00431; 1000 Genomes Project 0.00479; gnomAD 0.00645 and 0.00669.
gnomAD v4.1: 974 of 152,308 alleles (0.64%); highest among the groups gnomAD compares: Non-Finnish European, 0.62%; 7 homozygotes.

Submissions (2):

Labcorp Genetics (formerly Invitae), Labcorp
Classification: Benign for Long QT syndrome. Last evaluated: 2019-12-31. Review status: criteria provided, single submitter. Criteria: Invitae Variant Classification Sherloc (09022015). Collection method: clinical testing. Allele origin: germline.

GeneDx
Classification: Likely benign. Last evaluated: 2018-06-14. Review status: criteria provided, single submitter. Criteria: GeneDx Variant Classification (06012015). Collection method: clinical testing. Allele origin: germline. Affected: yes.
Comment: This variant is considered likely benign or benign based on one or more of the following criteria: it is a conservative change, it occurs at a poorly conserved position in the protein, it is predicted to be benign by multiple in silico algorithms, and/or has population frequency not consistent with disease.

NM_000719.7(CACNA1C):c.3945+212C>T

Gene: CACNA1C (calcium voltage-gated channel subunit alpha1 C; plus strand). Cytogenetic location: 12p13.33.
Variant type: single nucleotide variant.
Coding change: c.3945+212C>T on transcript NM_000719.7 (MANE Select); 212 bases into the intron after coding-DNA position 3945, C replaced by T.
Molecular consequence: intron variant.
Genome position (GRCh38, 1-based): chr12:2,648,719, C>T. VCF-style: chr12-2648719-C-T. GRCh37 (hg19) VCF-style: chr12-2757885-C-T.
Other names: c.3945+212C>T (NM_001167624.3, NM_001167623.2, NM_001129840.2 and 8 more transcripts); c.3913-2921C>T (NM_001167625.2, NM_001129837.2, NM_001129838.2 and 1 more transcripts); c.4089+212C>T (NM_199460.4, NM_001129827.2); c.4005+212C>T (NM_001129832.2); c.4029+212C>T (NM_001129831.2); c.3907-2921C>T (NM_001129839.2); c.3997-2921C>T (NM_001129836.2); c.3936+212C>T (NM_001129844.2).
Identifiers: ClinVar variation 676054 (VCV000676054.5), dbSNP rs143713629, ClinGen allele CA231588555.